The following is an entry in ClinVar:

ClinVar aggregate classification (germline): Uncertain significance (1 of 4 stars; one submission).

Conditions:
Neuronal ceroid lipofuscinosis. Also called: Neuronal Ceroid Lipofuscinoses. Identifiers: Orphanet 216, Orphanet 79263, MedGen C0027877, MONDO:0016295. Disease mechanism: loss of function.

Allele frequency attached by ClinVar (database versions not stated): gnomAD exomes below 0.00001; ExAC 0.00001; gnomAD 0.00001.
gnomAD v4.1: 1 of 1,612,234 alleles (0.000062%); highest among the groups gnomAD compares: Non-Finnish European, 0.000085%; no homozygotes.

Submission:

Labcorp Genetics (formerly Invitae), Labcorp
Classification: Uncertain significance for Neuronal ceroid lipofuscinosis. Last evaluated: 2021-12-01. Review status: criteria provided, single submitter. Criteria: Invitae Variant Classification Sherloc (09022015). Collection method: clinical testing. Allele origin: germline.
Comment: This sequence change replaces glutamine, which is neutral and polar, with proline, which is neutral and non-polar, at codon 251 of the CLN3 protein (p.Gln251Pro). This variant is present in population databases (rs776890506, gnomAD 0.0009%). This variant has not been reported in the literature in individuals affected with CLN3-related conditions. Algorithms developed to predict the effect of missense changes on protein structure and function are either unavailable or do not agree on the potential impact of this missense change (SIFT: "Tolerated"; PolyPhen-2: "Probably Damaging"; Align-GVGD: "Class C0"). In summary, the available evidence is currently insufficient to determine the role of this variant in disease. Therefore, it has been classified as a Variant of Uncertain Significance.

NM_001042432.2(CLN3):c.752A>C (p.Gln251Pro)

Gene: CLN3 (CLN3 lysosomal/endosomal transmembrane protein, battenin; minus strand). Cytogenetic location: 16p12.1.
Variant type: single nucleotide variant.
Coding change: c.752A>C on transcript NM_001042432.2 (MANE Select); coding-DNA position 752, A replaced by C.
Protein change: p.Gln251Pro; replaces glutamine 251 with proline.
Molecular consequence: missense variant.
Genome position (GRCh38, 1-based): chr16:28,484,044, T>G on the plus strand (A>C on the coding strand, the complement: CLN3 is on the minus strand). VCF-style: chr16-28484044-T-G. GRCh37 (hg19) VCF-style: chr16-28495365-T-G.
Other names: c.752A>C, p.Gln251Pro (NM_000086.2); c.680A>C, p.Gln227Pro (NM_001286104.2); c.452A>C, p.Gln151Pro (NM_001286105.2); c.518A>C, p.Gln173Pro (NM_001286109.2); c.590A>C, p.Gln197Pro (NM_001286110.2); short protein forms Q151P, Q197P, Q173P, Q227P, Q251P.
Identifiers: ClinVar variation 1389698 (VCV001389698.3), dbSNP rs776890506, ClinGen allele CA7980835.